The following is an entry in ClinVar:

NM_001376571.1(MADD):c.2927G>C (p.Arg976Pro)

Gene: MADD (MAP kinase activating death domain; plus strand). Cytogenetic location: 11p11.2.
Variant type: single nucleotide variant.
Coding change: c.2927G>C on transcript NM_001376571.1 (MANE Select); coding-DNA position 2927, G replaced by C.
Protein change: p.Arg976Pro; replaces arginine 976 with proline.
Molecular consequence: missense variant. On other transcripts: non-coding transcript variant (7), intron variant (1).
Genome position (GRCh38, 1-based): chr11:47,289,977, G>C. VCF-style: chr11-47289977-G-C. GRCh37 (hg19) VCF-style: chr11-47311528-G-C.
Other names: c.2738G>C, p.Arg913Pro (NM_001376597.1, NM_001376598.1, NM_001376603.1 and 20 more transcripts); c.2927G>C, p.Arg976Pro (NM_001376599.1, NM_001376600.1, NM_001376601.1 and 11 more transcripts); c.2774G>C, p.Arg925Pro (NM_001376602.1); c.2798G>C, p.Arg933Pro (NM_001376607.1, NM_001376617.1, NM_001376624.1 and 15 more transcripts); c.2867G>C, p.Arg956Pro (NM_001376608.1, NM_001376610.1, NM_001376612.1 and 12 more transcripts); c.2765G>C, p.Arg922Pro (NM_001376611.1, NM_001376613.1, NM_001376614.1 and 1 more transcripts); c.2663G>C, p.Arg888Pro (NM_001376620.1, NM_001376657.1); c.2723G>C, p.Arg908Pro (NM_001376626.1, NM_001376648.1); and 9 more; short protein forms R976P, R933P, R913P, R956P, R734P, R845P, R865P, R879P.
Identifiers: ClinVar variation 419097 (VCV000419097.2), dbSNP rs765378624, ClinGen allele CA16619328.

ClinVar aggregate classification (germline): Uncertain significance (1 of 4 stars; one submission).

Submission:

GeneDx
Classification: Uncertain significance. Last evaluated: 2016-01-18. Review status: criteria provided, single submitter. Criteria: GeneDx Variant Classification (06012015). Collection method: clinical testing. Allele origin: germline. Affected: yes.
Comment: The R976P variant in the MADD gene has not been published as a pathogenic variant, nor has it been reported as a benign variant to our knowledge. The R976P variant was not observed in approximately 6,500 individuals of European and African American ancestry in the NHLBI Exome Sequencing Project, indicating it is not a common benign variant in these populations. The R976P variant is a non-conservative amino acid substitution, which is likely to impact secondary protein structure as these residues differ in polarity, charge, size and/or other properties. This substitution occurs at a position that is conserved across species, and in silico analysis predicts this variant is probably damaging to the protein structure/function. We interpret R976P as a variant of uncertain significance.